The following is an entry in ClinVar:

NM_000548.5(TSC2):c.2140C>G (p.Pro714Ala)

Gene: TSC2 (TSC complex subunit 2; plus strand). Cytogenetic location: 16p13.3.
Variant type: single nucleotide variant.
Coding change: c.2140C>G on transcript NM_000548.5 (MANE Select); coding-DNA position 2140, C replaced by G.
Protein change: p.Pro714Ala; replaces proline 714 with alanine.
Molecular consequence: missense variant.
Genome position (GRCh38, 1-based): chr16:2,072,283, C>G. VCF-style: chr16-2072283-C-G. GRCh37 (hg19) VCF-style: chr16-2122284-C-G.
Other names: c.2140C>G, p.Pro714Ala (NM_001077183.3, NM_001114382.3, NM_001363528.2 and 3 more transcripts); c.2029C>G, p.Pro677Ala (NM_001318827.2); c.1993C>G, p.Pro665Ala (NM_001318829.2); c.1540C>G, p.Pro514Ala (NM_001318831.2); c.2173C>G, p.Pro725Ala (NM_001318832.2); short protein forms P514A, P714A, P665A, P725A, P677A.
Identifiers: ClinVar variation 1038493 (VCV001038493.8), dbSNP rs1596347240, ClinGen allele CA394274829.
Genomic context (GRCh38, chr16:2,072,283, plus strand): 5'-CGCCTCCTCTCCTCGCAGGAGTCTGACTGGAAGGTGCTGAAGCTGGTTCTGGGCAGGCTG[C>G]CTGAGTCCCTGCGCTATAAAGTGCTCATCTTTACTTCCCCTTGCAGTGTGGACCAGCTGT-3'
Protein context (NP_000539.2, residues 704-724): KVLKLVLGRL[Pro714Ala]ESLRYKVLIF

ClinVar aggregate classification (germline): Uncertain significance (1 of 4 stars; one submission).

Conditions:
Tuberous sclerosis 2 (TSC2). Identifiers: Orphanet 805, MedGen C1860707, MONDO:0013199, OMIM 613254.

Allele frequency attached by ClinVar (database versions not stated): gnomAD exomes below 0.00001.
gnomAD v4.1: 1 of 1,614,134 alleles (0.000062%); highest among the groups gnomAD compares: South Asian, 0.0011%; no homozygotes.

Submission:

Labcorp Genetics (formerly Invitae), Labcorp
Classification: Uncertain significance for Tuberous sclerosis 2. Last evaluated: 2025-08-09. Review status: criteria provided, single submitter. Criteria: Invitae Variant Classification Sherloc (09022015). Collection method: clinical testing. Allele origin: germline.
Comment: This sequence change replaces proline, which is neutral and non-polar, with alanine, which is neutral and non-polar, at codon 714 of the TSC2 protein (p.Pro714Ala). This variant is not present in population databases (gnomAD no frequency). This variant has not been reported in the literature in individuals affected with TSC2-related conditions. ClinVar contains an entry for this variant (Variation ID: 1038493). Invitae Evidence Modeling of protein sequence and biophysical properties (such as structural, functional, and spatial information, amino acid conservation, physicochemical variation, residue mobility, and thermodynamic stability) has been performed for this missense variant. However, the output from this modeling did not meet the statistical confidence thresholds required to predict the impact of this variant on TSC2 protein function. In summary, the available evidence is currently insufficient to determine the role of this variant in disease. Therefore, it has been classified as a Variant of Uncertain Significance.